The following is an entry in ClinVar:

ClinVar aggregate classification (germline): Uncertain significance. Review status: criteria provided, multiple submitters, no conflicts (2 of 4 stars). 3 submissions from 3 submitters: Uncertain significance (3). Last evaluated 2026-01-20.

Conditions:
Inborn genetic diseases. Identifiers: MedGen C0950123, MeSH D030342.
Primary ciliary dyskinesia 30. Also called: CILIARY DYSKINESIA, PRIMARY, 30, WITH OR WITHOUT SITUS INVERSUS. Identifiers: Orphanet 244, MedGen C4015016, MONDO:0014465, OMIM 616037.

Allele frequency attached by ClinVar (database versions not stated): ESP Exome Variant Server 0.00008; ExAC 0.00017; gnomAD exomes 0.00017 and 0.00021; TOPMed 0.00017; gnomAD 0.00027 and 0.00029.
gnomAD v4.1: 282 of 1,613,828 alleles (0.017%); highest among the groups gnomAD compares: Non-Finnish European, 0.02%; no homozygotes.

Submissions (3):

Labcorp Genetics (formerly Invitae), Labcorp
Classification: Uncertain significance for Primary ciliary dyskinesia 30. Last evaluated: 2026-01-20. Review status: criteria provided, single submitter. Criteria: Invitae Variant Classification Sherloc (09022015). Collection method: clinical testing. Allele origin: germline.
Comment: This sequence change replaces tyrosine, which is neutral and polar, with cysteine, which is neutral and slightly polar, at codon 236 of the CCDC151 protein (p.Tyr236Cys). This variant is present in population databases (rs200305902, gnomAD 0.06%). This variant has not been reported in the literature in individuals affected with CCDC151-related conditions. ClinVar contains an entry for this variant (Variation ID: 477986). An algorithm developed to predict the effect of missense changes on protein structure and function (PolyPhen-2) suggests that this variant is likely to be tolerated. In summary, the available evidence is currently insufficient to determine the role of this variant in disease. Therefore, it has been classified as a Variant of Uncertain Significance.

Fulgent Genetics
Classification: Uncertain significance for Primary ciliary dyskinesia 30. Last evaluated: 2022-02-15. Review status: criteria provided, single submitter. Criteria: ACMG Guidelines, 2015. Collection method: clinical testing. Allele origin: unknown.

Ambry Genetics
Classification: Uncertain significance for Inborn genetic diseases. Last evaluated: 2021-12-20. Review status: criteria provided, single submitter. Criteria: Ambry Variant Classification Scheme 2023. Collection method: clinical testing. Allele origin: germline.

NM_145045.5(ODAD3):c.707A>G (p.Tyr236Cys)

Gene: ODAD3 (outer dynein arm docking complex subunit 3; minus strand). Cytogenetic location: 19p13.2.
Variant type: single nucleotide variant.
Coding change: c.707A>G on transcript NM_145045.5 (MANE Select); coding-DNA position 707, A replaced by G.
Protein change: p.Tyr236Cys; replaces tyrosine 236 with cysteine.
Molecular consequence: missense variant. On other transcripts: intron variant (1).
Genome position (GRCh38, 1-based): chr19:11,426,690, T>C on the plus strand (A>G on the coding strand, the complement: ODAD3 is on the minus strand). VCF-style: chr19-11426690-T-C. GRCh37 (hg19) VCF-style: chr19-11537510-T-C.
Other names: c.545A>G, p.Tyr182Cys (NM_001302453.1); c.535-119A>G (NM_001302454.2); short protein forms Y236C, Y182C.
Identifiers: ClinVar variation 477986 (VCV000477986.9), dbSNP rs200305902, ClinGen allele CA9212307.
Genomic context (GRCh38, chr19:11,426,690, plus strand): 5'-GCCAAGCCCGCCCTCCCTGTTTGTCATCTCACCCGAGCCCTCCTAGTCCCTACCATTAGA[T>C]AGGCCTTGAGCTGCAGGTACACGCTGGTAATGTGCTCGGCCTCCTGCGCCTTCATCTGGG-3'
Protein context (NP_659482.3, residues 226-246): ITSVYLQLKA[Tyr236Cys]LMDESLNLEN